The following is an entry in ClinVar:

ClinVar aggregate classification (germline): Benign. Review status: criteria provided, multiple submitters, no conflicts (2 of 4 stars). 6 submissions from 6 submitters: Benign (3). 3 of the submissions do not count toward it. Last evaluated 2024-11-26.

Conditions:
FLG-related disorder. Also called: FLG-related condition; FLG-related disorders.

Allele frequency attached by ClinVar (database versions not stated): TOPMed 0.08248; ESP Exome Variant Server 0.08427; 1000 Genomes Project 30x 0.08542; 1000 Genomes Project 0.08606; gnomAD 0.08677 and 0.09114; gnomAD exomes 0.11591 and 0.12282; ExAC 0.11760.
gnomAD v4.1: 192,707 of 1,613,394 alleles (12%); highest among the groups gnomAD compares: South Asian, 21%; 12,680 homozygotes.

Submissions (6):

Blueprint Genetics
Classification: Benign. Last evaluated: 2024-11-26. Review status: criteria provided, single submitter. Criteria: ACMG Guidelines, 2015. Collection method: clinical testing. Allele origin: germline.

GeneDx
Classification: Benign. Last evaluated: 2018-07-09. Review status: criteria provided, single submitter. Criteria: GeneDx Variant Classification Process June 2021. Collection method: clinical testing. Allele origin: germline. Affected: yes.

Breakthrough Genomics
Classification: Benign. Review status: criteria provided, single submitter. Criteria: ACMG Guidelines, 2015. Collection method: not provided. Allele origin: germline. Inheritance: Autosomal dominant inheritance. Affected: yes.

PreventionGenetics, part of Exact Sciences
Classification: Benign for FLG-related condition. Last evaluated: 2024-05-06. Review status: no assertion criteria provided. Collection method: clinical testing. Allele origin: germline. Not counted in ClinVar's aggregate classification.
Comment: This variant is classified as benign based on ACMG/AMP sequence variant interpretation guidelines (Richards et al. 2015 PMID: 25741868, with internal and published modifications).

Diagnostic Laboratory, Department of Genetics, University Medical Center Groningen
Classification: Benign. Review status: no assertion criteria provided. Collection method: clinical testing. Allele origin: germline. Affected: yes. Study: VKGL Data-share Consensus. Not counted in ClinVar's aggregate classification.

Joint Genome Diagnostic Labs from Nijmegen and Maastricht, Radboudumc and MUMC+
Classification: Benign. Review status: no assertion criteria provided. Collection method: clinical testing. Allele origin: germline. Affected: yes. Study: VKGL Data-share Consensus. Not counted in ClinVar's aggregate classification.

NM_002016.2(FLG):c.1236T>C (p.Arg412=)

Genes: CCDST (cervical cancer associated DHX9 suppressive transcript; plus strand), FLG (filaggrin; minus strand). Cytogenetic location: 1q21.3.
Variant type: single nucleotide variant.
Coding change: c.1236T>C on transcript NM_002016.2 (MANE Select); coding-DNA position 1236, T replaced by C.
Protein change: p.Arg412=; no amino-acid change (arginine 412 retained).
Molecular consequence: synonymous variant. On other transcripts: non-coding transcript variant (1).
Genome position (GRCh38, 1-based): chr1:152,313,650, A>G on the plus strand (T>C on the coding strand, the complement: FLG is on the minus strand). VCF-style: chr1-152313650-A-G. GRCh37 (hg19) VCF-style: chr1-152286126-A-G.
Identifiers: ClinVar variation 1259919 (VCV001259919.9), dbSNP rs11582620, ClinGen allele CA1107729.